The following is an entry in ClinVar:

ClinVar aggregate classification (germline): Uncertain significance. Review status: criteria provided, multiple submitters, no conflicts (2 of 4 stars). 2 submissions from 2 submitters: Uncertain significance (2). Last evaluated 2025-03-11.

Conditions:
Thrombocytopenia 2 (THC2). Also called: ANKRD26-Related Thrombocytopenia. Identifiers: Orphanet 268322, MedGen C1861185, MONDO:0008555, OMIM 188000.
Inborn genetic diseases. Identifiers: MedGen C0950123, MeSH D030342.

Submissions (2):

Ambry Genetics
Classification: Uncertain significance for Inborn genetic diseases. Last evaluated: 2025-03-11. Review status: criteria provided, single submitter. Criteria: Ambry Variant Classification Scheme 2023. Collection method: clinical testing. Allele origin: germline.
Comment: The p.D1532G variant (also known as c.4595A>G), located in coding exon 31 of the ANKRD26 gene, results from an A to G substitution at nucleotide position 4595. The aspartic acid at codon 1532 is replaced by glycine, an amino acid with similar properties. This amino acid position is conserved. In addition, this alteration is predicted to be tolerated by in silico analysis. Based on the available evidence, the clinical significance of this variant remains unclear.

Illumina Laboratory Services, Illumina
Classification: Uncertain significance for Thrombocytopenia 2. Last evaluated: 2018-01-13. Review status: criteria provided, single submitter. Criteria: ICSL Variant Classification Criteria 13 December 2019. Collection method: clinical testing. Allele origin: germline.

NM_014915.3(ANKRD26):c.4595A>G (p.Asp1532Gly)

Gene: ANKRD26 (ankyrin repeat domain 26; minus strand). Cytogenetic location: 10p12.1.
Variant type: single nucleotide variant.
Coding change: c.4595A>G on transcript NM_014915.3 (MANE Select); coding-DNA position 4595, A replaced by G.
Protein change: p.Asp1532Gly; replaces aspartic acid 1532 with glycine.
Molecular consequence: missense variant.
Genome position (GRCh38, 1-based): chr10:27,014,623, T>C on the plus strand (A>G on the coding strand, the complement: ANKRD26 is on the minus strand). VCF-style: chr10-27014623-T-C. GRCh37 (hg19) VCF-style: chr10-27303552-T-C.
Other names: c.4592A>G, p.Asp1531Gly (NM_001256053.2); short protein forms D1531G, D1532G.
Identifiers: ClinVar variation 880010 (VCV000880010.5), dbSNP rs2053228815, ClinGen allele CA376356658.
Genomic context (GRCh38, chr10:27,014,623, plus strand): 5'-AGTTCGGTTTTATTAAAGTCTTCTTGAGAAGTTTTTATTTTGGAGAGTTCAGATTCCAGA[T>C]CTTTAATTCTGAGTTCCATCTGACTTTTCATTGAAGCAAAATTATTCTCTCTAAACTGCT-3'
Protein context (NP_055730.2, residues 1522-1542): MKSQMELRIK[Asp1532Gly]LESELSKIKT